The following is an entry in ClinVar:

ClinVar aggregate classification (germline): Uncertain significance (1 of 4 stars; one submission).

Allele frequency attached by ClinVar (database versions not stated): gnomAD 0.00005; TOPMed 0.00006; gnomAD exomes 0.00012; 1000 Genomes Project 30x 0.00031; 1000 Genomes Project 0.00040.
gnomAD v4.1: 178 of 1,613,054 alleles (0.011%); highest among the groups gnomAD compares: South Asian, 0.095%; 1 homozygote.

Submission:

Labcorp Genetics (formerly Invitae), Labcorp
Classification: Uncertain significance. Last evaluated: 2025-10-02. Review status: criteria provided, single submitter. Criteria: Invitae Variant Classification Sherloc (09022015). Collection method: clinical testing. Allele origin: germline.
Comment: This sequence change replaces arginine, which is basic and polar, with glutamine, which is neutral and polar, at codon 353 of the IL17RD protein (p.Arg353Gln). This variant is present in population databases (rs199540136, gnomAD 0.08%), and has an allele count higher than expected for a pathogenic variant. This variant has not been reported in the literature in individuals affected with IL17RD-related conditions. ClinVar contains an entry for this variant (Variation ID: 2421588). Invitae Evidence Modeling of protein sequence and biophysical properties (such as structural, functional, and spatial information, amino acid conservation, physicochemical variation, residue mobility, and thermodynamic stability) indicates that this missense variant is not expected to disrupt IL17RD protein function with a negative predictive value of 80%. In summary, the available evidence is currently insufficient to determine the role of this variant in disease. Therefore, it has been classified as a Variant of Uncertain Significance.

NM_017563.5(IL17RD):c.1058G>A (p.Arg353Gln)

Gene: IL17RD (interleukin 17 receptor D; minus strand). Cytogenetic location: 3p14.3.
Variant type: single nucleotide variant.
Coding change: c.1058G>A on transcript NM_017563.5 (MANE Select); coding-DNA position 1058, G replaced by A.
Protein change: p.Arg353Gln; replaces arginine 353 with glutamine.
Molecular consequence: missense variant.
Genome position (GRCh38, 1-based): chr3:57,101,285, C>T on the plus strand (G>A on the coding strand, the complement: IL17RD is on the minus strand). VCF-style: chr3-57101285-C-T. GRCh37 (hg19) VCF-style: chr3-57135313-C-T.
Other names: c.1058G>A, p.Arg353Gln (NM_001080973.1); c.626G>A, p.Arg209Gln (NM_001318864.2); short protein forms R209Q, R353Q.
Identifiers: ClinVar variation 2421588 (VCV002421588.6), dbSNP rs199540136, ClinGen allele CA2462830.
Genomic context (GRCh38, chr3:57,101,285, plus strand): 5'-ACATTCATGTGATTCTGGCCATCTTTACTGGAATAGCAGAGAAAGACCTTCGGCCGCGGC[C>T]GGAGCCTCTCTCTTGGGAGTGCTGCAGTGTATGTGGAAGACTCAGAGCTCTCTTCATCTA-3'
Protein context (NP_060033.3, residues 343-363): YTAALPRERL[Arg353Gln]PRPKVFLCYS